The following is an entry in ClinVar:

ClinVar aggregate classification (germline): Pathogenic/Likely pathogenic. Review status: criteria provided, multiple submitters, no conflicts (2 of 4 stars). 4 submissions from 4 submitters: Pathogenic (2); Likely pathogenic (2). Last evaluated 2024-03-11.

Conditions:
Polycystic kidney disease 4 (PKD4). Also called: POLYCYSTIC KIDNEY AND HEPATIC DISEASE 1; POLYCYSTIC KIDNEY DISEASE, INFANTILE, TYPE I; PKD3; POLYCYSTIC KIDNEY DISEASE 4 WITH OR WITHOUT POLYCYSTIC LIVER DISEASE; Autosomal Recessive Polycystic Kidney Disease – PKHD1. Identifiers: MedGen C4540575, MONDO:0033004, OMIM 263200.
Autosomal recessive polycystic kidney disease (ARPKD). Also called: AR polycystic kidney disease. Identifiers: Orphanet 731, Orphanet 8378, MedGen C0085548, MeSH D017044, MONDO:0009889.

Submissions (4):

Natera, Inc.
Classification: Likely pathogenic for Autosomal recessive polycystic kidney disease. Last evaluated: 2024-03-11. Review status: criteria provided, single submitter. Criteria: Natera Variant Classification Schema (03/2026). Collection method: clinical testing. Allele origin: germline.
Comment: The c.8208delG variant in PKHD1 is a frameshift variant predicted to shift the reading frame beginning at codon 2736 and leads to a stop codon 50 codons downstream. This variant is expected to result in nonsense mediated decay, truncation, or a dysfunctional protein product. This variant is rare in the general population with a frequency below the threshold expected for the associated phenotype(s). Given the available evidence, this variant is classified as Likely Pathogenic.

Revvity Omics, Revvity
Classification: Likely pathogenic for Polycystic kidney disease 4. Last evaluated: 2024-02-14. Review status: criteria provided, single submitter. Criteria: ACMG Guidelines, 2015. Collection method: clinical testing. Allele origin: germline.

Labcorp Genetics (formerly Invitae), Labcorp
Classification: Pathogenic for Autosomal recessive polycystic kidney disease. Last evaluated: 2022-06-30. Review status: criteria provided, single submitter. Criteria: Invitae Variant Classification Sherloc (09022015). Collection method: clinical testing. Allele origin: germline.
Comment: For these reasons, this variant has been classified as Pathogenic. ClinVar contains an entry for this variant (Variation ID: 1323459). This variant has not been reported in the literature in individuals affected with PKHD1-related conditions. This variant is not present in population databases (gnomAD no frequency). This sequence change creates a premature translational stop signal (p.Trp2736Cysfs*50) in the PKHD1 gene. It is expected to result in an absent or disrupted protein product. Loss-of-function variants in PKHD1 are known to be pathogenic (PMID: 19940839).

Lifecell International Pvt. Ltd
Classification: Pathogenic for Polycystic kidney disease 4. Review status: criteria provided, single submitter. Criteria: ACMG Guidelines, 2015. Collection method: clinical testing. Allele origin: germline. Inheritance: Autosomal recessive inheritance. Affected: yes. Observed: 1 compound heterozygote.
Comment: A Heterozygous Frameshift variant c.8208delG in Exon 52 of the PKHD1 gene that results in the amino acid substitution p.Trp2736fs*50 was identified. The observed variant has a minimum allele frequency of 0% in gnomAD exomes and genomes, respectively. The severity of the impact of this variant on the protein is high, based on the effect of the protein and REVEL score. Rare Exome Variant Ensemble Learner (REVEL) is an ensembl method for predicting the pathogenicity of missense variants based on a combination of scores from 13 individual tools: MutPred, FATHMM v2.3, VEST 3.0, PolyPhen-2, SIFT, PROVEAN, MutationAssessor, MutationTaster, LRT, GERP++, SiPhy, phyloP, and phastCons. The REVEL score for an individual missense variant can range from 0 to 1, with higher scores reflecting greater likelihood that the variant is disease-causing. ClinVar has also classified this variant as Pathogenic with 0 star, no assertion criteria provided (Variant ID: 1323459). Based on the above evidence this variant has been classified as Pathogenic according to the ACMG guidelines.

Literature cited by the submitters: PubMed 19940839 (cited by Labcorp Genetics (formerly Invitae), Labcorp).

NM_138694.4(PKHD1):c.8208del (p.Trp2736fs)

Gene: PKHD1 (PKHD1 ciliary IPT domain containing fibrocystin/polyductin; minus strand). Cytogenetic location: 6p12.2.
Variant type: Deletion.
Coding change: c.8208del on transcript NM_138694.4 (MANE Select); coding-DNA position 8208, one base deleted (G; older notation c.8208delG).
Protein change: p.Trp2736fs; shifts the reading frame from tryptophan 2736.
Molecular consequence: frameshift variant.
Genome position (GRCh38, 1-based): chr6:51,830,955, C deleted on the plus strand (G on the coding strand, the reverse complement: PKHD1 is on the minus strand); the first of 2 consecutive C bases (chr6:51,830,955-51,830,956); deleting either gives the same sequence. VCF-style (leftmost placement, unchanged base first): chr6-51830954-AC-A. GRCh37 (hg19) VCF-style: chr6-51695752-AC-A.
Other names: c.8208delG (NM_138694.4, NM_138694.3); c.8208del, p.Trp2736fs (NM_170724.3); short protein forms W2736fs.
Identifiers: ClinVar variation 1323459 (VCV001323459.10), dbSNP rs2151512076, ClinGen allele CA2573052708.